The following is an entry in ClinVar:

NM_001130987.2(DYSF):c.4830C>T (p.Ala1610=)

Gene: DYSF (dysferlin; plus strand). Cytogenetic location: 2p13.2.
Variant type: single nucleotide variant.
Coding change: c.4830C>T on transcript NM_001130987.2 (MANE Select); coding-DNA position 4830, C replaced by T.
Protein change: p.Ala1610=; no amino-acid change (alanine 1610 retained).
Molecular consequence: synonymous variant.
Genome position (GRCh38, 1-based): chr2:71,658,952, C>T. VCF-style: chr2-71658952-C-T. GRCh37 (hg19) VCF-style: chr2-71886082-C-T.
Other names: p.Ala1571=; c.4716C>T, p.Ala1572= (NM_001130455.2); c.4671C>T, p.Ala1557= (NM_001130976.2); c.4734C>T, p.Ala1578= (NM_001130977.2); c.4776C>T, p.Ala1592= (NM_001130978.2); c.4806C>T, p.Ala1602= (NM_001130979.2); c.4764C>T, p.Ala1588= (NM_001130980.2); c.4827C>T, p.Ala1609= (NM_001130981.2); and 6 more.
Identifiers: ClinVar variation 288298 (VCV000288298.16), dbSNP rs375485030, ClinGen allele CA1707153.
Genomic context (GRCh38, chr2:71,658,952, plus strand): 5'-TTATCCCCTCCCAGAAGACCCAGCCATCCCCATGCCCCCAAGACAGTTCCACCAGCTGGC[C>T]GCCCAGGGACCCCAGGAGTGCTTGGTCCGTATCTACATTGTCCGAGCATTTGGCCTGCAG-3'
Protein context (NP_001124459.1, residues 1600-1620): PMPPRQFHQL[Ala1610=]AQGPQECLVR

ClinVar aggregate classification (germline): Conflicting classifications of pathogenicity. Review status: criteria provided, conflicting classifications (1 of 4 stars). 4 submissions from 4 submitters: Uncertain significance (1); Likely benign (3). Last evaluated 2025-11-28.

Conditions:
Neuromuscular disease caused by qualitative or quantitative defects of dysferlin. Also called: Qualitative or quantitative defects of dysferlin; Dysferlinopathy. Identifiers: Orphanet 207073, MedGen C2931687, MONDO:0016145.

Allele frequency attached by ClinVar (database versions not stated): gnomAD exomes 0.00002 and 0.00006; gnomAD 0.00006; TOPMed 0.00006; ExAC 0.00007; ESP Exome Variant Server 0.00008.
gnomAD v4.1: 44 of 1,614,072 alleles (0.0027%); highest among the groups gnomAD compares: East Asian, 0.016%; no homozygotes.

Submissions (4):

Labcorp Genetics (formerly Invitae), Labcorp
Classification: Likely benign for Neuromuscular disease caused by qualitative or quantitative defects of dysferlin. Last evaluated: 2025-11-28. Review status: criteria provided, single submitter. Criteria: Invitae Variant Classification Sherloc (09022015). Collection method: clinical testing. Allele origin: germline.

Mayo Clinic Laboratories, Mayo Clinic
Classification: Likely benign. Last evaluated: 2025-09-09. Review status: criteria provided, single submitter. Criteria: ACMG Guidelines, 2015. Collection method: clinical testing. Allele origin: germline. Observed: 1 variant allele.
Comment: BP4, BP7

Blueprint Genetics
Classification: Likely benign. Last evaluated: 2023-10-30. Review status: criteria provided, single submitter. Criteria: ACMG Guidelines, 2015. Collection method: clinical testing. Allele origin: germline.

Eurofins Ntd Llc (ga)
Classification: Uncertain significance. Last evaluated: 2016-06-22. Review status: criteria provided, single submitter. Criteria: EGL Classification Definitions 2015. Collection method: clinical testing. Allele origin: germline. Observed: 1 variant allele, 1 heterozygote.